The following is an entry in ClinVar:

ClinVar aggregate classification (germline): Likely pathogenic. Review status: criteria provided, multiple submitters, no conflicts (2 of 4 stars). 3 submissions from 3 submitters: Likely pathogenic (3). Last evaluated 2025-01-29.

Conditions:
Leber congenital amaurosis 10 (LCA10). Identifiers: Orphanet 65, MedGen C1857821, MONDO:0012723, OMIM 611755.
Bardet-Biedl syndrome 14 (BBS14). Identifiers: Orphanet 110, MedGen C2673874, MONDO:0014442, OMIM 615991.

Allele frequency attached by ClinVar (database versions not stated): gnomAD exomes below 0.00001.
gnomAD v4.1: 1 of 1,357,554 alleles (0.000074%); highest among the groups gnomAD compares: Non-Finnish European, 0.000096%; no homozygotes.

Submissions (3):

Centre of Medical Genetics, University Hospital Muenster
Classification: Likely pathogenic. Last evaluated: 2025-01-29. Review status: criteria provided, single submitter. Criteria: ACMG Guidelines, 2015. Collection method: clinical testing. Allele origin: unknown. Affected: yes. Observed: 1 variant allele, 1 heterozygote.
Comment: ACMG categories: PVS1,PM2_sup

Baylor Genetics
Classification: Likely pathogenic for Bardet-Biedl syndrome 14. Last evaluated: 2024-03-14. Review status: criteria provided, single submitter. Criteria: ACMG Guidelines, 2015. Collection method: clinical testing. Allele origin: unknown.

Kariminejad - Najmabadi Pathology & Genetics Center
Classification: Likely pathogenic for Leber congenital amaurosis 10. Review status: criteria provided, single submitter. Criteria: ACMG Guidelines, 2015. Collection method: clinical testing. Allele origin: germline. Affected: no.

NM_025114.4(CEP290):c.2367+1G>A

Gene: CEP290 (centrosomal protein 290; minus strand). Cytogenetic location: 12q21.32.
Variant type: single nucleotide variant.
Coding change: c.2367+1G>A on transcript NM_025114.4 (MANE Select); the canonical splice donor site of the intron after coding-DNA position 2367, G replaced by A.
Molecular consequence: splice donor variant.
Genome position (GRCh38, 1-based): chr12:88,111,201, C>T on the plus strand (G>A on the coding strand, the complement: CEP290 is on the minus strand). VCF-style: chr12-88111201-C-T. GRCh37 (hg19) VCF-style: chr12-88504978-C-T.
Identifiers: ClinVar variation 3241090 (VCV003241090.3), dbSNP rs2500736926.